The following is an entry in ClinVar:

ClinVar aggregate classification (germline): Uncertain significance (1 of 4 stars; one submission).

Conditions:
Immunodeficiency. Identifiers: MedGen C0021051, MONDO:0021094, HP:0002721.

Allele frequency attached by ClinVar (database versions not stated): gnomAD exomes below 0.00001; ExAC 0.00001; gnomAD 0.00001; TOPMed 0.00001.
gnomAD v4.1: 9 of 1,614,034 alleles (0.00056%); highest among the groups gnomAD compares: African/African-American, 0.0027%; no homozygotes.

Submission:

Labcorp Genetics (formerly Invitae), Labcorp
Classification: Uncertain significance for Immunodeficiency. Last evaluated: 2023-07-17. Review status: criteria provided, single submitter. Criteria: Invitae Variant Classification Sherloc (09022015). Collection method: clinical testing. Allele origin: germline.
Comment: In summary, the available evidence is currently insufficient to determine the role of this variant in disease. Therefore, it has been classified as a Variant of Uncertain Significance. An algorithm developed to predict the effect of missense changes on protein structure and function (PolyPhen-2) suggests that this variant is likely to be disruptive. This variant has not been reported in the literature in individuals affected with NFAT5-related conditions. This variant is present in population databases (rs745971118, gnomAD 0.007%). This sequence change replaces glutamic acid, which is acidic and polar, with aspartic acid, which is acidic and polar, at codon 1421 of the NFAT5 protein (p.Glu1421Asp).

NM_138713.4(NFAT5):c.4545G>T (p.Glu1515Asp)

Gene: NFAT5 (nuclear factor of activated T cells 5; plus strand). Cytogenetic location: 16q22.1.
Variant type: single nucleotide variant.
Coding change: c.4545G>T on transcript NM_138713.4 (MANE Select); coding-DNA position 4545, G replaced by T.
Protein change: p.Glu1515Asp; replaces glutamic acid 1515 with aspartic acid.
Molecular consequence: missense variant.
Genome position (GRCh38, 1-based): chr16:69,695,266, G>T. VCF-style: chr16-69695266-G-T. GRCh37 (hg19) VCF-style: chr16-69729169-G-T.
Other names: c.4542G>T, p.Glu1514Asp (NM_001113178.3); c.3870G>T, p.Glu1290Asp (NM_001367709.1); c.4491G>T, p.Glu1497Asp (NM_006599.4); c.4263G>T, p.Glu1421Asp (NM_138714.4, NM_173214.3, NM_173215.3); short protein forms E1514D, E1421D, E1515D, E1290D, E1497D.
Identifiers: ClinVar variation 3017187 (VCV003017187.3), dbSNP rs745971118, ClinGen allele CA8136080.